The following is an entry in ClinVar:

ClinVar aggregate classification (germline): Uncertain significance (1 of 4 stars; one submission).

Conditions:
Stormorken syndrome (STRMK). Also called: THROMBOCYTOPATHY, ASPLENIA, AND MIOSIS. Identifiers: Orphanet 3204, MedGen C1861451, MONDO:0008497, OMIM 185070.
Combined immunodeficiency due to STIM1 deficiency. Also called: STIM1 DEFICIENCY; IMMUNODEFICIENCY 10. Identifiers: Orphanet 169090, Orphanet 317430, MedGen C2748557, MONDO:0013008, OMIM 612783.
Myopathy with tubular aggregates (TAM). Also called: Tubular Aggregate Myopathy. Identifiers: Orphanet 2593, MedGen C0410207, MONDO:0008051.

Allele frequency attached by ClinVar (database versions not stated): TOPMed 0.00001.
gnomAD v4.1: 6 of 1,614,046 alleles (0.00037%); highest among the groups gnomAD compares: Middle Eastern, 0.016%; no homozygotes.

Submission:

Labcorp Genetics (formerly Invitae), Labcorp
Classification: Uncertain significance for Myopathy with tubular aggregates; Combined immunodeficiency due to STIM1 deficiency; Stormorken syndrome. Last evaluated: 2024-10-18. Review status: criteria provided, single submitter. Criteria: Invitae Variant Classification Sherloc (09022015). Collection method: clinical testing. Allele origin: germline.
Comment: This sequence change replaces valine, which is neutral and non-polar, with alanine, which is neutral and non-polar, at codon 630 of the STIM1 protein (p.Val630Ala). This variant is not present in population databases (gnomAD no frequency). This variant has not been reported in the literature in individuals affected with STIM1-related conditions. Invitae Evidence Modeling of protein sequence and biophysical properties (such as structural, functional, and spatial information, amino acid conservation, physicochemical variation, residue mobility, and thermodynamic stability) indicates that this missense variant is not expected to disrupt STIM1 protein function with a negative predictive value of 95%. In summary, the available evidence is currently insufficient to determine the role of this variant in disease. Therefore, it has been classified as a Variant of Uncertain Significance.

NM_001382567.1(STIM1):c.1982T>C (p.Val661Ala)

Genes: STIM1 (stromal interaction molecule 1; plus strand), LOC124418421 (Sharpr-MPRA regulatory region 9588; plus strand). Cytogenetic location: 11p15.4.
Variant type: single nucleotide variant.
Coding change: c.1982T>C on transcript NM_001382567.1 (MANE Select); coding-DNA position 1982, T replaced by C.
Protein change: p.Val661Ala; replaces valine 661 with alanine.
Molecular consequence: missense variant. On other transcripts: 3 prime UTR variant (4), non-coding transcript variant (3).
Genome position (GRCh38, 1-based): chr11:4,091,629, T>C. VCF-style: chr11-4091629-T-C. GRCh37 (hg19) VCF-style: chr11-4112859-T-C.
Other names: c.2207T>C, p.Val736Ala (NM_001277961.3); c.*303T>C (NM_001277962.2, NM_001382578.1, NM_001382579.1 and 1 more transcripts); c.1985T>C, p.Val662Ala (NM_001382566.1); c.1910T>C, p.Val637Ala (NM_001382568.1); c.1754T>C, p.Val585Ala (NM_001382569.1); c.1661T>C, p.Val554Ala (NM_001382570.1); c.1409T>C, p.Val470Ala (NM_001382571.1); c.1667T>C, p.Val556Ala (NM_001382575.1, NM_001382576.1, NM_001382577.1); and 2 more; short protein forms V467A, V637A, V736A, V554A, V630A, V470A, V556A, V585A.
Identifiers: ClinVar variation 2923649 (VCV002923649.3), dbSNP rs2094525855, ClinGen allele CA379197812.